The following is an entry in ClinVar:

NM_001122769.3(LCA5):c.661T>G (p.Leu221Val)

Gene: LCA5 (lebercilin LCA5; minus strand). Cytogenetic location: 6q14.1.
Variant type: single nucleotide variant.
Coding change: c.661T>G on transcript NM_001122769.3 (MANE Select); coding-DNA position 661, T replaced by G.
Protein change: p.Leu221Val; replaces leucine 221 with valine.
Molecular consequence: missense variant.
Genome position (GRCh38, 1-based): chr6:79,513,271, A>C on the plus strand (T>G on the coding strand, the complement: LCA5 is on the minus strand). VCF-style: chr6-79513271-A-C. GRCh37 (hg19) VCF-style: chr6-80222988-A-C.
Other names: c.661T>G, p.Leu221Val (NM_181714.4); short protein forms L221V.
Identifiers: ClinVar variation 866867 (VCV000866867.3), dbSNP rs750639988, ClinGen allele CA3901080.

ClinVar aggregate classification (germline): Conflicting classifications of pathogenicity. Review status: criteria provided, conflicting classifications (1 of 4 stars). 2 submissions from 2 submitters: Likely pathogenic (1); Uncertain significance (1). Last evaluated 2024-04-11.

Conditions:
LCA5-related disorder. Also called: LCA5-related condition.

Allele frequency attached by ClinVar (database versions not stated): gnomAD 0.00001; TOPMed 0.00001; gnomAD exomes 0.00003; ExAC 0.00007.
gnomAD v4.1: 22 of 1,613,618 alleles (0.0014%); highest among the groups gnomAD compares: Non-Finnish European, 0.0018%; no homozygotes.

Submissions (2):

Women's Health and Genetics/Laboratory Corporation of America, LabCorp
Classification: Uncertain significance. Last evaluated: 2024-04-11. Review status: criteria provided, single submitter. Criteria: LabCorp Variant Classification Summary - May 2015. Collection method: clinical testing. Allele origin: germline.
Comment: Variant summary: LCA5 c.661T>G (p.Leu221Val) results in a conservative amino acid change located in the Lebercilin domain (IPR028933) of the encoded protein sequence. Four of five in-silico tools predict a damaging effect of the variant on protein function. The variant allele was found at a frequency of 3.2e-05 in 251128 control chromosomes (gnomAD). The available data on variant occurrences in the general population are insufficient to allow any conclusion about variant significance. c.661T>G has been reported in the literature in an heterozygous individual affected with Retinitis Pigmentosa with co-occurring variants in other genes (Tiwari_2016). This report does not provide unequivocal conclusions about association of the variant with Leber Congenital Amaurosis. To our knowledge, no experimental evidence demonstrating an impact on protein function has been reported. The following publication has been ascertained in the context of this evaluation (PMID: 27353947). ClinVar contains an entry for this variant (Variation ID: 866867). Based on the evidence outlined above, the variant was classified as uncertain significance.

Blueprint Genetics
Classification: Likely pathogenic for LCA5-related disorders. Last evaluated: 2022-09-30. Review status: criteria provided, single submitter. Criteria: ACMG Guidelines, 2015. Collection method: clinical testing. Allele origin: germline. Affected: yes. Observed: 5 variant alleles.

Literature cited by the submitters: PubMed 27353947 (cited by Women's Health and Genetics/Laboratory Corporation of America, LabCorp).